The following is an entry in ClinVar:

ClinVar aggregate classification (germline): Uncertain significance (1 of 4 stars; one submission).

Conditions:
Neuroblastoma, susceptibility to, 3. Also called: ALK-Related Neuroblastic Tumor Susceptibility. Identifiers: Orphanet 635, MedGen C2751681, MONDO:0013083, OMIM 613014.

Submission:

Labcorp Genetics (formerly Invitae), Labcorp
Classification: Uncertain significance for Neuroblastoma, susceptibility to, 3. Last evaluated: 2025-09-02. Review status: criteria provided, single submitter. Criteria: Invitae Variant Classification Sherloc (09022015). Collection method: clinical testing. Allele origin: germline.
Comment: This sequence change replaces alanine, which is neutral and non-polar, with glycine, which is neutral and non-polar, at codon 741 of the ALK protein (p.Ala741Gly). This variant is not present in population databases (gnomAD no frequency). This variant has not been reported in the literature in individuals affected with ALK-related conditions. ClinVar contains an entry for this variant (Variation ID: 964099). An algorithm developed to predict the effect of missense changes on protein structure and function (PolyPhen-2) suggests that this variant is likely to be disruptive. In summary, the available evidence is currently insufficient to determine the role of this variant in disease. Therefore, it has been classified as a Variant of Uncertain Significance.

NM_004304.5(ALK):c.2222C>G (p.Ala741Gly)

Gene: ALK (ALK receptor tyrosine kinase; minus strand). Cytogenetic location: 2p23.2.
Variant type: single nucleotide variant.
Coding change: c.2222C>G on transcript NM_004304.5 (MANE Select); coding-DNA position 2222, C replaced by G.
Protein change: p.Ala741Gly; replaces alanine 741 with glycine.
Molecular consequence: missense variant.
Genome position (GRCh38, 1-based): chr2:29,239,813, G>C on the plus strand (C>G on the coding strand, the complement: ALK is on the minus strand). VCF-style: chr2-29239813-G-C. GRCh37 (hg19) VCF-style: chr2-29462679-G-C.
Other names: short protein forms A741G.
Identifiers: ClinVar variation 964099 (VCV000964099.9), dbSNP rs1664477105, ClinGen allele CA346474755.